The following is an entry in ClinVar:

ClinVar aggregate classification (germline): Uncertain significance (1 of 4 stars; one submission).

Allele frequency attached by ClinVar (database versions not stated): TOPMed 0.00002.
gnomAD v4.1: 1 of 1,614,110 alleles (0.000062%); no homozygotes.

Submission:

Labcorp Genetics (formerly Invitae), Labcorp
Classification: Uncertain significance. Last evaluated: 2022-07-04. Review status: criteria provided, single submitter. Criteria: Invitae Variant Classification Sherloc (09022015). Collection method: clinical testing. Allele origin: germline.
Comment: In summary, the available evidence is currently insufficient to determine the role of this variant in disease. Therefore, it has been classified as a Variant of Uncertain Significance. Algorithms developed to predict the effect of missense changes on protein structure and function output the following: SIFT: "Deleterious"; PolyPhen-2: "Not Available"; Align-GVGD: "Class C65". The serine amino acid residue is found in multiple mammalian species, which suggests that this missense change does not adversely affect protein function. This variant has not been reported in the literature in individuals affected with SRCAP-related conditions. This variant is present in population databases (no rsID available, gnomAD 0.003%). This sequence change replaces proline, which is neutral and non-polar, with serine, which is neutral and polar, at codon 347 of the SRCAP protein (p.Pro347Ser).

NM_006662.3(SRCAP):c.1039C>T (p.Pro347Ser)

Gene: SRCAP (Snf2 related CREBBP activator protein; plus strand). Cytogenetic location: 16p11.2.
Variant type: single nucleotide variant.
Coding change: c.1039C>T on transcript NM_006662.3 (MANE Select); coding-DNA position 1039, C replaced by T.
Protein change: p.Pro347Ser; replaces proline 347 with serine.
Molecular consequence: missense variant.
Genome position (GRCh38, 1-based): chr16:30,710,033, C>T. VCF-style: chr16-30710033-C-T. GRCh37 (hg19) VCF-style: chr16-30721354-C-T.
Other names: short protein forms P347S.
Identifiers: ClinVar variation 1923111 (VCV001923111.5), dbSNP rs1356593101, ClinGen allele CA395602678.